The following is an entry in ClinVar:

ClinVar aggregate classification (germline): Benign/Likely benign. Review status: criteria provided, multiple submitters, no conflicts (2 of 4 stars). 9 submissions from 9 submitters: Benign (2); Likely benign (4). 3 of the submissions do not count toward it. Last evaluated 2026-09-01.

Conditions:
Hypertrophic cardiomyopathy 26. Also called: Cardiomyopathy, familial hypertrophic, 26. Identifiers: Orphanet 75249, MedGen C4310749, MONDO:0014883, OMIM 617047.
Distal myopathy with posterior leg and anterior hand involvement. Also called: WILLIAMS DISTAL MYOPATHY. Identifiers: Orphanet 63273, MedGen C3279722, MONDO:0013550, OMIM 614065.
Myofibrillar myopathy 5. Also called: Filaminopathy (type); FILAMINOPATHY, AUTOSOMAL DOMINANT. Identifiers: Orphanet 171445, MedGen C1836050, MONDO:0012289, OMIM 609524.

Allele frequency attached by ClinVar (database versions not stated): 1000 Genomes Project 0.00040; ExAC 0.00053; ESP Exome Variant Server 0.00094; gnomAD exomes 0.00101; TOPMed 0.00133; gnomAD 0.00151 and 0.00153.
gnomAD v4.1: 2,351 of 1,010,642 alleles (0.23%); highest among the groups gnomAD compares: Admixed American, 0.33%; 5 homozygotes.

Submissions (9):

CeGaT Center for Human Genetics Tuebingen
Classification: Likely benign. Last evaluated: 2026-09-01. Review status: criteria provided, single submitter. Criteria: CeGaT Center For Human Genetics Tuebingen Variant Classification Criteria Version 2. Collection method: clinical testing. Allele origin: germline. Affected: yes. Observed: 7 variant alleles.
Comment: FLNC: BS1

Labcorp Genetics (formerly Invitae), Labcorp
Classification: Benign for Distal myopathy with posterior leg and anterior hand involvement; Myofibrillar myopathy 5; Hypertrophic cardiomyopathy 26. Last evaluated: 2026-02-03. Review status: criteria provided, single submitter. Criteria: Invitae Variant Classification Sherloc (09022015). Collection method: clinical testing. Allele origin: germline.

Blueprint Genetics
Classification: Likely benign. Last evaluated: 2024-11-20. Review status: criteria provided, single submitter. Criteria: ACMG Guidelines, 2015. Collection method: clinical testing. Allele origin: germline.

Women's Health and Genetics/Laboratory Corporation of America, LabCorp
Classification: Benign. Last evaluated: 2023-07-29. Review status: criteria provided, single submitter. Criteria: LabCorp Variant Classification Summary - May 2015. Collection method: clinical testing. Allele origin: germline.

GeneDx
Classification: Likely benign. Last evaluated: 2018-03-21. Review status: criteria provided, single submitter. Criteria: GeneDx Variant Classification (06012015). Collection method: clinical testing. Allele origin: germline. Affected: yes.
Comment: This variant is considered likely benign or benign based on one or more of the following criteria: it is a conservative change, it occurs at a poorly conserved position in the protein, it is predicted to be benign by multiple in silico algorithms, and/or has population frequency not consistent with disease.

PreventionGenetics, part of Exact Sciences
Classification: Likely benign. Review status: criteria provided, single submitter. Criteria: ACMG Guidelines, 2015. Collection method: clinical testing. Allele origin: germline.

Clinical Genetics, Academic Medical Center
Classification: Benign. Review status: no assertion criteria provided. Collection method: clinical testing. Allele origin: germline. Affected: yes. Study: VKGL Data-share Consensus. Not counted in ClinVar's aggregate classification.

Genome Diagnostics Laboratory, University Medical Center Utrecht
Classification: Likely benign. Review status: no assertion criteria provided. Collection method: clinical testing. Allele origin: germline. Affected: yes. Study: VKGL Data-share Consensus. Not counted in ClinVar's aggregate classification.

Joint Genome Diagnostic Labs from Nijmegen and Maastricht, Radboudumc and MUMC+
Classification: Likely benign. Review status: no assertion criteria provided. Collection method: clinical testing. Allele origin: germline. Affected: yes. Study: VKGL Data-share Consensus. Not counted in ClinVar's aggregate classification.

NM_001458.5(FLNC):c.2389+12C>T

Gene: FLNC (filamin C; plus strand). Cytogenetic location: 7q32.1.
Variant type: single nucleotide variant.
Coding change: c.2389+12C>T on transcript NM_001458.5 (MANE Select); 12 bases into the intron after coding-DNA position 2389, C replaced by T.
Molecular consequence: intron variant.
Genome position (GRCh38, 1-based): chr7:128,842,710, C>T. VCF-style: chr7-128842710-C-T. GRCh37 (hg19) VCF-style: chr7-128482764-C-T.
Other names: c.2389+12C>T (NM_001127487.2).
Identifiers: ClinVar variation 258135 (VCV000258135.43), dbSNP rs370526829, ClinGen allele CA4474697.
Genomic context (GRCh38, chr7:128,842,710, plus strand): 5'-GCCAATGAGCCCACCTACTTCACGGTGGACTGCAGCGAGGCGGGGCAAGGTGCGCCCAGC[C>T]GGAAGGGGTGGGTCTGGGAGGGGGCGGGGGTGAGTCGAGTCGGGGGCTGAGCCCAACTCA-3'